The following is an entry in ClinVar:

ClinVar aggregate classification (germline): Likely benign (1 of 4 stars; one submission).

Allele frequency attached by ClinVar (database versions not stated): 1000 Genomes Project 0.00280; 1000 Genomes Project 30x 0.00297; ExAC 0.00599; TOPMed 0.00613; ESP Exome Variant Server 0.00700; gnomAD exomes 0.00943.
gnomAD v4.1: 14,106 of 1,545,512 alleles (0.91%); highest among the groups gnomAD compares: Non-Finnish European, 1.1%; 78 homozygotes.

Submission:

CeGaT Center for Human Genetics Tuebingen
Classification: Likely benign. Last evaluated: 2023-04-01. Review status: criteria provided, single submitter. Criteria: CeGaT Center For Human Genetics Tuebingen Variant Classification Criteria Version 2. Collection method: clinical testing. Allele origin: germline. Affected: yes. Observed: 1 variant allele.
Comment: MTCL1: BP4, BS2

NM_001395333.1(MTCL1):c.4981G>A (p.Glu1661Lys)

Gene: MTCL1 (microtubule crosslinking factor 1; plus strand). Cytogenetic location: 18p11.22.
Variant type: single nucleotide variant.
Coding change: c.4981G>A on transcript NM_001395333.1 (MANE Select); coding-DNA position 4981, G replaced by A.
Protein change: p.Glu1661Lys; replaces glutamic acid 1661 with lysine.
Molecular consequence: missense variant.
Genome position (GRCh38, 1-based): chr18:8,825,411, G>A. VCF-style: chr18-8825411-G-A. GRCh37 (hg19) VCF-style: chr18-8825409-G-A.
Other names: c.4858G>A, p.Glu1620Lys (NM_001378205.1, NM_001378207.1); c.4981G>A, p.Glu1661Lys (NM_001378206.1); c.3778G>A, p.Glu1260Lys (NM_001395220.1); c.3901G>A, p.Glu1301Lys (NM_015210.4); short protein forms E1260K, E1301K, E1620K, E1661K.
Identifiers: ClinVar variation 2648562 (VCV002648562.24), dbSNP rs114965084, ClinGen allele CA8886737.